The following is an entry in ClinVar:

ClinVar aggregate classification (germline): Likely pathogenic (1 of 4 stars; one submission).

Conditions:
Bardet-Biedl syndrome 3 (BBS3). Identifiers: Orphanet 110, MedGen C1859564, MONDO:0010832, OMIM 600151.
Retinitis pigmentosa 55 (RP55). Identifiers: Orphanet 791, MedGen C3150808, MONDO:0013312, OMIM 613575.

Allele frequency attached by ClinVar (database versions not stated): gnomAD exomes below 0.00001; gnomAD 0.00001.
gnomAD v4.1: 3 of 1,611,748 alleles (0.00019%); highest among the groups gnomAD compares: South Asian, 0.0033%; no homozygotes.

Submission:

Labcorp Genetics (formerly Invitae), Labcorp
Classification: Likely pathogenic for Retinitis pigmentosa 55; Bardet-Biedl syndrome 3. Last evaluated: 2023-02-08. Review status: criteria provided, single submitter. Criteria: Invitae Variant Classification Sherloc (09022015). Collection method: clinical testing. Allele origin: germline.
Comment: In summary, the currently available evidence indicates that the variant is pathogenic, but additional data are needed to prove that conclusively. Therefore, this variant has been classified as Likely Pathogenic. Algorithms developed to predict the effect of sequence changes on RNA splicing suggest that this variant may disrupt the consensus splice site. This variant has not been reported in the literature in individuals affected with ARL6-related conditions. This sequence change affects a donor splice site in intron 3 of the ARL6 gene. It is expected to disrupt RNA splicing. Variants that disrupt the donor or acceptor splice site typically lead to a loss of protein function (PMID: 16199547), and loss-of-function variants in ARL6 are known to be pathogenic (PMID: 15258860, 19858128, 20142850, 22334370, 27486776, 31736247). This variant is present in population databases (no rsID available, gnomAD 0.003%).

Literature cited by the submitters: PubMed 16199547; PubMed 15258860; PubMed 19858128; PubMed 20142850; PubMed 22334370; PubMed 27486776; PubMed 31736247.

NM_001278293.3(ARL6):c.123+1G>A

Gene: ARL6 (ARF like GTPase 6; plus strand). Cytogenetic location: 3q11.2.
Variant type: single nucleotide variant.
Coding change: c.123+1G>A on transcript NM_001278293.3 (MANE Select); the canonical splice donor site of the intron after coding-DNA position 123, G replaced by A.
Molecular consequence: splice donor variant.
Genome position (GRCh38, 1-based): chr3:97,768,231, G>A. VCF-style: chr3-97768231-G-A. GRCh37 (hg19) VCF-style: chr3-97487075-G-A.
Other names: c.123+1G>A (NM_032146.5, NM_177976.3, NM_001323513.2 and 1 more transcripts).
Identifiers: ClinVar variation 2943822 (VCV002943822.3), dbSNP rs1195519595, ClinGen allele CA353582837.